The following is an entry in ClinVar:

NM_000554.6(CRX):c.740C>A (p.Ala247Asp)

Gene: CRX (cone-rod homeobox; plus strand). Cytogenetic location: 19q13.33.
Variant type: single nucleotide variant.
Coding change: c.740C>A on transcript NM_000554.6 (MANE Select); coding-DNA position 740, C replaced by A.
Protein change: p.Ala247Asp; replaces alanine 247 with aspartic acid.
Molecular consequence: missense variant.
Genome position (GRCh38, 1-based): chr19:47,839,807, C>A. VCF-style: chr19-47839807-C-A. GRCh37 (hg19) VCF-style: chr19-48343064-C-A.
Other names: c.740C>A (NM_000554.4); short protein forms A247D.
Identifiers: ClinVar variation 2042467 (VCV002042467.5), dbSNP rs1196719242, ClinGen allele CA406631692.

ClinVar aggregate classification (germline): Uncertain significance. Review status: criteria provided, multiple submitters, no conflicts (2 of 4 stars). 2 submissions from 2 submitters: Uncertain significance (2). Last evaluated 2024-10-25.

Conditions:
Cone-rod dystrophy 2 (CORD2). Also called: CONE-ROD RETINAL DYSTROPHY; Cone-rod retinal dystrophy 2. Identifiers: Orphanet 1872, MedGen C3489532, MONDO:0007362, OMIM 120970.
Leber congenital amaurosis 7 (LCA7). Identifiers: Orphanet 65, MedGen C3151192, MONDO:0013449, OMIM 613829.
Inborn genetic diseases. Identifiers: MedGen C0950123, MeSH D030342.

gnomAD v4.1: 1 of 1,614,132 alleles (0.000062%); highest among the groups gnomAD compares: Non-Finnish European, 0.000085%; no homozygotes.

Submissions (2):

Ambry Genetics
Classification: Uncertain significance for Inborn genetic diseases. Last evaluated: 2024-10-25. Review status: criteria provided, single submitter. Criteria: Ambry Variant Classification Scheme 2023. Collection method: clinical testing. Allele origin: germline.

Labcorp Genetics (formerly Invitae), Labcorp
Classification: Uncertain significance for Cone-rod dystrophy 2; Leber congenital amaurosis 7. Last evaluated: 2022-07-09. Review status: criteria provided, single submitter. Criteria: Invitae Variant Classification Sherloc (09022015). Collection method: clinical testing. Allele origin: germline.
Comment: In summary, the available evidence is currently insufficient to determine the role of this variant in disease. Therefore, it has been classified as a Variant of Uncertain Significance. Algorithms developed to predict the effect of missense changes on protein structure and function are either unavailable or do not agree on the potential impact of this missense change (SIFT: "Deleterious"; PolyPhen-2: "Benign"; Align-GVGD: "Class C65"). This variant has not been reported in the literature in individuals affected with CRX-related conditions. This variant is not present in population databases (gnomAD no frequency). This sequence change replaces alanine, which is neutral and non-polar, with aspartic acid, which is acidic and polar, at codon 247 of the CRX protein (p.Ala247Asp).